The following is an entry in ClinVar:

NC_000009.11:g.(?_36840557)_(36840653_?)del

Gene: PAX5 (paired box 5; minus strand). Cytogenetic location: 9p13.2.
Variant type: Deletion.
Identifiers: ClinVar variation 3245354 (VCV003245354.1).

ClinVar aggregate classification (germline): Uncertain significance (1 of 4 stars; one submission).

Submission:

Labcorp Genetics (formerly Invitae), Labcorp
Classification: Uncertain significance. Last evaluated: 2023-10-04. Review status: criteria provided, single submitter. Criteria: Invitae Variant Classification Sherloc (09022015). Collection method: clinical testing. Allele origin: unknown.
Comment: This variant is a gross deletion of the genomic region encompassing exon(s) 10 of the PAX5 gene, which includes the termination codon. This deletion extends beyond the assayed region for this gene and therefore may encompass additional genes. While this deletion is not anticipated to lead to nonsense mediated decay, it is expected to alter mRNA translation or result in a truncated protein product. This variant has not been reported in the literature in individuals affected with PAX5-related conditions. Experimental studies and prediction algorithms are not available or were not evaluated, and the functional significance of this variant is currently unknown. In summary, the available evidence is currently insufficient to determine the role of this variant in disease. Therefore, it has been classified as a Variant of Uncertain Significance.